The following is an entry in ClinVar:

ClinVar aggregate classification (germline): Conflicting classifications of pathogenicity. Review status: criteria provided, conflicting classifications (1 of 4 stars). 3 submissions from 3 submitters: Uncertain significance (1); Likely benign (1). 1 of the submissions does not count toward it. Last evaluated 2025-08-15.

Conditions:
Niemann-Pick disease, type C1. Also called: NIEMANN-PICK DISEASE, VARIANT TYPE C1; NEUROVISCERAL STORAGE DISEASE WITH VERTICAL SUPRANUCLEAR OPHTHALMOPLEGIA; NIEMANN-PICK DISEASE WITH CHOLESTEROL ESTERIFICATION BLOCK; NIEMANN-PICK DISEASE WITHOUT SPHINGOMYELINASE DEFICIENCY; NIEMANN-PICK DISEASE, CHRONIC NEURONOPATHIC FORM. Identifiers: Orphanet 646, MedGen C3179455, MONDO:0009757, OMIM 257220.
NPC1-related disorder. Also called: NPC1-related condition.

Allele frequency attached by ClinVar (database versions not stated): gnomAD exomes 0.00002 and 0.00008; gnomAD 0.00003 and 0.00004; TOPMed 0.00003; ExAC 0.00007.
gnomAD v4.1: 38 of 1,614,146 alleles (0.0024%); highest among the groups gnomAD compares: East Asian, 0.078%; no homozygotes.

Submissions (3):

GeneDx
Classification: Uncertain significance. Last evaluated: 2025-08-15. Review status: criteria provided, single submitter. Criteria: GeneDx Variant Classification Process June 2021. Collection method: clinical testing. Allele origin: germline. Affected: yes.
Comment: Reported as a heterozygous variant in two patients with early-onset Parkinson disease in the published literature; however, a second variant in NPC1 was not reported (PMID: 35861376); In silico analysis suggests that this missense variant does not alter protein structure/function; This variant is associated with the following publications: (PMID: 35861376, 25764212)

Labcorp Genetics (formerly Invitae), Labcorp
Classification: Likely benign for Niemann-Pick disease, type C1. Last evaluated: 2024-04-22. Review status: criteria provided, single submitter. Criteria: Invitae Variant Classification Sherloc (09022015). Collection method: clinical testing. Allele origin: germline.

PreventionGenetics, part of Exact Sciences
Classification: Uncertain significance for NPC1-related condition. Last evaluated: 2024-09-06. Review status: no assertion criteria provided. Collection method: clinical testing. Allele origin: germline. Not counted in ClinVar's aggregate classification.
Comment: The NPC1 c.110A>G variant is predicted to result in the amino acid substitution p.Asp37Gly. This variant has been reported in an individual with Parkinson disease, early onset (Chen et al 2022. PubMed ID: 35861376). This variant is reported in 0.11% of alleles in individuals of East Asian descent in gnomAD. Although we suspect that this variant may be benign, at this time, the clinical significance of this variant is uncertain due to the absence of conclusive functional and genetic evidence.

NM_000271.5(NPC1):c.110A>G (p.Asp37Gly)

Gene: NPC1 (NPC intracellular cholesterol transporter 1; minus strand). Cytogenetic location: 18q11.2.
Variant type: single nucleotide variant.
Coding change: c.110A>G on transcript NM_000271.5 (MANE Select); coding-DNA position 110, A replaced by G.
Protein change: p.Asp37Gly; replaces aspartic acid 37 with glycine.
Molecular consequence: missense variant.
Genome position (GRCh38, 1-based): chr18:23,573,522, T>C on the plus strand (A>G on the coding strand, the complement: NPC1 is on the minus strand). VCF-style: chr18-23573522-T-C. GRCh37 (hg19) VCF-style: chr18-21153486-T-C.
Other names: c.110A>G (NM_000271.4); short protein forms D37G.
Identifiers: ClinVar variation 1128207 (VCV001128207.11), dbSNP rs776181190, ClinGen allele CA8913824.